The following is an entry in ClinVar:

ClinVar aggregate classification (germline): Benign. Review status: reviewed by expert panel (3 of 4 stars). 3 submissions from 3 submitters: Benign (1). 2 of the submissions do not count toward it. Last evaluated 2022-06-06.

Conditions:
Arginine:glycine amidinotransferase deficiency (CCDS3). Also called: Creatine deficiency syndrome due to AGAT deficiency; GATM deficiency; Cerebral creatine deficiency syndrome 3; L-Arginine:Glycine Amidinotransferase (AGAT) Deficiency; AGAT deficiency; L-Arginine:Glycine Amidinotransferase Deficiency. Identifiers: Orphanet 35704, MedGen C2675179, MONDO:0012996, OMIM 612718.

Allele frequency attached by ClinVar (database versions not stated): gnomAD exomes 0.29294; gnomAD 0.31074 and 0.32057; TOPMed 0.33803; 1000 Genomes Project 30x 0.43926; 1000 Genomes Project 0.45068.
gnomAD v4.1: 49,348 of 154,360 alleles (32%); highest among the groups gnomAD compares: East Asian, 83%; 9,029 homozygotes.

Submissions (3):

ClinGen Cerebral Creatine Deficiency Syndromes Variant Curation Expert Panel, ClinGen
Classification: Benign for Arginine:glycine amidinotransferase deficiency. Last evaluated: 2022-06-06. Review status: reviewed by expert panel. Criteria: ClinGen_CCDS_ACMG_Specifications_GATM_v1.1. Collection method: curation. Allele origin: germline. Inheritance: Autosomal recessive inheritance.
Comment: The NM_001482.3:c.*600A>G variant is a single nucleotide substitution in the 3'UTR of GATM. Because the variant is located in the 3'UTR, it is not expected to alter the amino acid sequence. The highest population minor allele frequency in gnomAD v2.1.1, in a continental population with >2000 alleles, is 0.2934 (2554/8704 alleles) in the African population, which is higher than the ClinGen CCDS VCEP’s threshold for BA1 (>0.0005), and therefore meets this criterion (BA1). There is a ClinVar entry for this variant (Variation ID: 316206). In summary, this variant meets the criteria to be classified as benign for AGAT deficiency based on the ACMG/AMP criteria applied, as specified by the ClinGen Cerebral Creatine Deficiency Syndromes Variant Curation Expert Panel (Specifications Version 1.1.0): BA1. (Classification approved by the ClinGen CCDS VCEP on June 6, 2022).

Illumina Laboratory Services, Illumina
Classification: Benign for Arginine:glycine amidinotransferase deficiency. Last evaluated: 2018-01-13. Review status: criteria provided, single submitter. Criteria: ICSL Variant Classification Criteria 13 December 2019. Collection method: clinical testing. Allele origin: germline. Not counted in ClinVar's aggregate classification.
Comment: This variant was observed in the ICSL laboratory as part of a predisposition screen in an ostensibly healthy population. It had not been previously curated by ICSL or reported in the Human Gene Mutation Database (HGMD: prior to June 1st, 2018), and was therefore a candidate for classification through an automated scoring system. Utilizing variant allele frequency, disease prevalence and penetrance estimates, and inheritance mode, an automated score was calculated to assess if this variant is too frequent to cause the disease. Based on the score and internal cut-off values, a variant classified as benign is not then subjected to further curation. The score for this variant resulted in a classification of benign for this disease.

Breakthrough Genomics
Classification: Benign. Review status: criteria provided, single submitter. Criteria: ACMG Guidelines, 2015. Collection method: not provided. Allele origin: germline. Inheritance: Autosomal recessive inheritance. Affected: yes. Not counted in ClinVar's aggregate classification.

NM_001482.3(GATM):c.*600A>G

Gene: GATM (glycine amidinotransferase; minus strand). Cytogenetic location: 15q21.1.
Variant type: single nucleotide variant.
Coding change: c.*600A>G on transcript NM_001482.3 (MANE Select); 600 bases downstream of the stop codon, A replaced by G.
Molecular consequence: 3 prime UTR variant.
Genome position (GRCh38, 1-based): chr15:45,361,509, T>C on the plus strand (A>G on the coding strand, the complement: GATM is on the minus strand). VCF-style: chr15-45361509-T-C. GRCh37 (hg19) VCF-style: chr15-45653707-T-C.
Other names: c.*600A>G (NM_001321015.2).
Identifiers: ClinVar variation 316206 (VCV000316206.7), dbSNP rs1049503, ClinGen allele CA10647042.